The following is an entry in ClinVar:

NM_014915.3(ANKRD26):c.2056G>A (p.Asp686Asn)

Gene: ANKRD26 (ankyrin repeat domain containing 26; minus strand). Cytogenetic location: 10p12.1.
Variant type: single nucleotide variant.
Coding change: c.2056G>A on transcript NM_014915.3 (MANE Select); coding-DNA position 2056, G replaced by A.
Protein change: p.Asp686Asn; replaces aspartic acid 686 with asparagine.
Molecular consequence: missense variant.
Genome position (GRCh38, 1-based): chr10:27,043,531, C>T on the plus strand (G>A on the coding strand, the complement: ANKRD26 is on the minus strand). VCF-style: chr10-27043531-C-T. GRCh37 (hg19) VCF-style: chr10-27332460-C-T.
Other names: c.2053G>A, p.Asp685Asn (NM_001256053.2); short protein forms D685N, D686N.
Identifiers: ClinVar variation 3912785 (VCV003912785.1).
Genomic context (GRCh38, chr10:27,043,531, plus strand): 5'-TGTAACTAGAGTGGGGTAGCTCACAATCCTCTGAGGCTGTTTCAGATGACTGAGTTAAGT[C>T]ATCAACATCATCCATAGACTGTATTTGGTTTTTGACCTATGAAATAAATAACACTGTTTC-3'
Protein context (NP_055730.2, residues 676-696): NQIQSMDDVD[Asp686Asn]LTQSSETASE

ClinVar aggregate classification (germline): Uncertain significance (1 of 4 stars; one submission).

Conditions:
Inborn genetic diseases. Identifiers: MedGen C0950123, MeSH D030342.

gnomAD v4.1: 6 of 1,613,874 alleles (0.00037%); highest among the groups gnomAD compares: Non-Finnish European, 0.00051%; no homozygotes.

Submission:

Ambry Genetics
Classification: Uncertain significance for Inborn genetic diseases. Last evaluated: 2025-05-02. Review status: criteria provided, single submitter. Criteria: Ambry Variant Classification Scheme 2023. Collection method: clinical testing. Allele origin: germline.
Comment: The p.D686N variant (also known as c.2056G>A), located in coding exon 20 of the ANKRD26 gene, results from a G to A substitution at nucleotide position 2056. The aspartic acid at codon 686 is replaced by asparagine, an amino acid with highly similar properties. This amino acid position is conserved. In addition, this alteration is predicted to be tolerated by in silico analysis. Based on the available evidence, the clinical significance of this variant remains unclear.